The following is an entry in ClinVar:

NM_005585.5(SMAD6):c.20C>A (p.Ser7Ter)

Gene: SMAD6 (SMAD family member 6; plus strand). Cytogenetic location: 15q22.31.
Variant type: single nucleotide variant.
Coding change: c.20C>A on transcript NM_005585.5 (MANE Select); coding-DNA position 20, C replaced by A.
Protein change: p.Ser7Ter; replaces serine 7 with a stop codon.
Molecular consequence: nonsense. On other transcripts: non-coding transcript variant (1).
Genome position (GRCh38, 1-based): chr15:66,703,278, C>A. VCF-style: chr15-66703278-C-A. GRCh37 (hg19) VCF-style: chr15-66995616-C-A.
Other names: short protein forms S7*.
Identifiers: ClinVar variation 2965408 (VCV002965408.3), dbSNP rs1418570348, ClinGen allele CA392948282.

ClinVar aggregate classification (germline): Uncertain significance (1 of 4 stars; one submission).

Conditions:
Aortic valve disease 2 (AOVD2). Identifiers: MedGen C3542024, MONDO:0013902, OMIM 614823.

gnomAD v4.1: 2 of 1,485,416 alleles (0.00013%); highest among the groups gnomAD compares: South Asian, 0.0013%; no homozygotes.

Submission:

Labcorp Genetics (formerly Invitae), Labcorp
Classification: Uncertain significance for Aortic valve disease 2. Last evaluated: 2023-10-05. Review status: criteria provided, single submitter. Criteria: Invitae Variant Classification Sherloc (09022015). Collection method: clinical testing. Allele origin: germline.
Comment: This sequence change creates a premature translational stop signal (p.Ser7*) in the SMAD6 gene. It is expected to result in an absent or disrupted protein product. However, the current clinical and genetic evidence is not sufficient to establish whether loss-of-function variants in SMAD6 cause disease. The frequency data for this variant in the population databases is considered unreliable, as metrics indicate poor data quality at this position in the gnomAD database. This variant has not been reported in the literature in individuals affected with SMAD6-related conditions. In summary, the available evidence is currently insufficient to determine the role of this variant in disease. Therefore, it has been classified as a Variant of Uncertain Significance.